The following is an entry in ClinVar:

ClinVar aggregate classification (germline): Uncertain significance. Review status: criteria provided, multiple submitters, no conflicts (2 of 4 stars). 10 submissions from 10 submitters: Uncertain significance (9). 1 of the submissions does not count toward it. Last evaluated 2024-10-31.

Conditions:
PLA2G6-associated neurodegeneration (PLAN). Also called: phospholipase A2-associated neurodegeneration. Identifiers: Orphanet 329303, MedGen CN204472, MONDO:0017998.
Inborn genetic diseases. Identifiers: MedGen C0950123, MeSH D030342.
Autosomal recessive Parkinson disease 14. Also called: PARKINSON DISEASE 14; DYSTONIA-PARKINSONISM, ADULT-ONSET. Identifiers: Orphanet 199351, MedGen C2751842, MONDO:0013060, OMIM 612953.
Infantile neuroaxonal dystrophy (NBIA2A). Also called: SEITELBERGER DISEASE; NEURODEGENERATION WITH BRAIN IRON ACCUMULATION 2A; Infantile neuroaxonal dystrophy 1. Identifiers: Orphanet 35069, MedGen C0270724, MONDO:0024457, OMIM 256600.
Neurodegeneration with brain iron accumulation 2B. Also called: NEUROAXONAL DYSTROPHY, ATYPICAL; NEURODEGENERATION WITH BRAIN IRON ACCUMULATION, PLA2G6-RELATED; aNAD; atypical Neuroaxonal Dystrophy (aNAD). Identifiers: Orphanet 35069, MedGen C1857747, MONDO:0012444, OMIM 610217.

Allele frequency attached by ClinVar (database versions not stated): gnomAD exomes 0.00012 and 0.00006; gnomAD 0.00013 and 0.00012; ExAC 0.00014; TOPMed 0.00015; ESP Exome Variant Server 0.00023.
gnomAD v4.1: 114 of 1,614,140 alleles (0.0071%); highest among the groups gnomAD compares: African/African-American, 0.021%; no homozygotes.

Submissions (10):

Labcorp Genetics (formerly Invitae), Labcorp
Classification: Uncertain significance for Infantile neuroaxonal dystrophy. Last evaluated: 2024-10-31. Review status: criteria provided, single submitter. Criteria: Invitae Variant Classification Sherloc (09022015). Collection method: clinical testing. Allele origin: germline.
Comment: This sequence change replaces arginine, which is basic and polar, with cysteine, which is neutral and slightly polar, at codon 6 of the PLA2G6 protein (p.Arg6Cys). This variant is present in population databases (rs143250889, gnomAD 0.06%). This missense change has been observed in individual(s) with clinical features of leukodystrophy or leukoencephalopathy (PMID: 33547378). ClinVar contains an entry for this variant (Variation ID: 493345). Invitae Evidence Modeling of protein sequence and biophysical properties (such as structural, functional, and spatial information, amino acid conservation, physicochemical variation, residue mobility, and thermodynamic stability) indicates that this missense variant is expected to disrupt PLA2G6 protein function with a positive predictive value of 95%. In summary, the available evidence is currently insufficient to determine the role of this variant in disease. Therefore, it has been classified as a Variant of Uncertain Significance.

Ambry Genetics
Classification: Uncertain significance for Inborn genetic diseases. Last evaluated: 2022-06-27. Review status: criteria provided, single submitter. Criteria: Ambry Variant Classification Scheme 2023. Collection method: clinical testing. Allele origin: germline.

GeneDx
Classification: Uncertain significance. Last evaluated: 2021-07-14. Review status: criteria provided, single submitter. Criteria: GeneDx Variant Classification Process June 2021. Collection method: clinical testing. Allele origin: germline. Affected: yes.
Comment: In silico analysis supports that this missense variant has a deleterious effect on protein structure/function; Has not been previously published as pathogenic or benign to our knowledge

Mayo Clinic Laboratories, Mayo Clinic
Classification: Uncertain significance. Last evaluated: 2021-07-07. Review status: criteria provided, single submitter. Criteria: ACMG Guidelines, 2015. Collection method: clinical testing. Allele origin: germline.

Revvity Omics, Revvity
Classification: Uncertain significance. Last evaluated: 2019-08-12. Review status: criteria provided, single submitter. Criteria: ACMG Guidelines, 2015. Collection method: clinical testing. Allele origin: germline.

Rajaie Cardiovascular, Medical and Research Center, Iran University of Medical Sciences
Classification: Uncertain significance for Infantile neuroaxonal dystrophy. Last evaluated: 2019-07-05. Review status: criteria provided, single submitter. Criteria: ACMG Guidelines, 2015. Collection method: research. Allele origin: inherited. Affected: yes.

Fulgent Genetics
Classification: Uncertain significance for Infantile neuroaxonal dystrophy; Neurodegeneration with brain iron accumulation 2B; Autosomal recessive Parkinson disease 14. Last evaluated: 2018-10-31. Review status: criteria provided, single submitter. Criteria: ACMG Guidelines, 2015. Collection method: clinical testing. Allele origin: unknown.

Illumina Laboratory Services, Illumina
Classification: Uncertain significance for PLA2G6-associated neurodegeneration. Last evaluated: 2018-01-12. Review status: criteria provided, single submitter. Criteria: ICSL Variant Classification Criteria 13 December 2019. Collection method: clinical testing. Allele origin: germline.

CeGaT Center for Human Genetics Tuebingen
Classification: Uncertain significance. Last evaluated: 2017-10-31. Review status: criteria provided, single submitter. Criteria: Praxis fuer Humangenetik Tuebingen - Variant Classification Criteria. Collection method: clinical testing. Allele origin: germline. Affected: yes. Observed: 2 variant alleles.

Coban-Akdemir Lab, University of Texas Health Science Center
Classification: Uncertain significance for Infantile neuroaxonal dystrophy; Neurodegeneration with brain iron accumulation 2B; Autosomal recessive Parkinson disease 14. Review status: no assertion criteria provided. Collection method: research. Allele origin: germline. Inheritance: Autosomal recessive inheritance. Affected: yes. Observed: 1 homozygote. Not counted in ClinVar's aggregate classification.

Literature cited by the submitters: PubMed 33547378 (cited by Labcorp Genetics (formerly Invitae), Labcorp and Ambry Genetics).

NM_003560.4(PLA2G6):c.16C>T (p.Arg6Cys)

Gene: PLA2G6 (phospholipase A2 group VI; minus strand). Cytogenetic location: 22q13.1.
Variant type: single nucleotide variant.
Coding change: c.16C>T on transcript NM_003560.4 (MANE Select); coding-DNA position 16, C replaced by T.
Protein change: p.Arg6Cys; replaces arginine 6 with cysteine.
Molecular consequence: missense variant. On other transcripts: 5 prime UTR variant (3).
Genome position (GRCh38, 1-based): chr22:38,169,411, G>A on the plus strand (C>T on the coding strand, the complement: PLA2G6 is on the minus strand). VCF-style: chr22-38169411-G-A. GRCh37 (hg19) VCF-style: chr22-38565418-G-A.
Other names: p.Arg6Cys; c.16C>T (NM_003560.3); c.16C>T, p.Arg6Cys (NM_001004426.3, NM_001199562.3, NM_001349864.2 and 2 more transcripts); c.-650C>T (NM_001349867.2, NM_001349869.2); c.-475C>T (NM_001349868.2); short protein forms R6C.
Identifiers: ClinVar variation 493345 (VCV000493345.25), dbSNP rs143250889, ClinGen allele CA10231391.
Genomic context (GRCh38, chr22:38,169,411, plus strand): 5'-CCTTCACCCGGAATGGGTTAGAGAACAAGTTGGTGACGCCACTGAAGGTATTGACCAGGC[G>A]GCCAAAGAACTGCATCTTCTGCGGGGCAGGTGGGGAGGCCCCACCGTCTTCCCCCTCTGT-3'
Protein context (NP_003551.2, residues 1-16): MQFFG[Arg6Cys]LVNTFSGVTN